The following is an entry in ClinVar:

ClinVar aggregate classification (germline): Uncertain significance. Review status: criteria provided, multiple submitters, no conflicts (2 of 4 stars). 3 submissions from 3 submitters: Uncertain significance (3). Last evaluated 2022-02-20.

Conditions:
Hydrocephalus, nonsyndromic, autosomal recessive 2. Also called: Hydrocephalus, congenital, 2, with or without brain or eye anomalies. Identifiers: Orphanet 2185, MedGen C3554691, MONDO:0014085, OMIM 615219.

Allele frequency attached by ClinVar (database versions not stated): gnomAD exomes below 0.00001 and 0.00001; gnomAD 0.00001.
gnomAD v4.1: 13 of 1,605,758 alleles (0.00081%); highest among the groups gnomAD compares: Middle Eastern, 0.083%; no homozygotes.

Submissions (3):

Labcorp Genetics (formerly Invitae), Labcorp
Classification: Uncertain significance. Last evaluated: 2022-02-20. Review status: criteria provided, single submitter. Criteria: Invitae Variant Classification Sherloc (09022015). Collection method: clinical testing. Allele origin: germline.
Comment: ClinVar contains an entry for this variant (Variation ID: 1029762). This sequence change affects codon 1793 of the MPDZ mRNA. It is a 'silent' change, meaning that it does not change the encoded amino acid sequence of the MPDZ protein. This variant also falls at the last nucleotide of exon 39, which is part of the consensus splice site for this exon. The frequency data for this variant in the population databases is considered unreliable, as metrics indicate poor data quality at this position in the gnomAD database. This variant has not been reported in the literature in individuals affected with MPDZ-related conditions. Variants that disrupt the consensus splice site are a relatively common cause of aberrant splicing (PMID: 17576681, 9536098). Algorithms developed to predict the effect of sequence changes on RNA splicing suggest that this variant may disrupt the consensus splice site. In summary, the available evidence is currently insufficient to determine the role of this variant in disease. Therefore, it has been classified as a Variant of Uncertain Significance.

Baylor Genetics
Classification: Uncertain significance for Hydrocephalus, nonsyndromic, autosomal recessive 2. Last evaluated: 2020-01-07. Review status: criteria provided, single submitter. Criteria: ACMG Guidelines, 2015. Collection method: clinical testing. Allele origin: unknown. Affected: yes.
Comment: This variant was determined to be of uncertain significance according to ACMG Guidelines, 2015 [PMID:25741868].

Breakthrough Genomics
Classification: Uncertain significance. Review status: criteria provided, single submitter. Criteria: ACMG Guidelines, 2015. Collection method: not provided. Allele origin: germline. Inheritance: Autosomal recessive inheritance. Affected: yes.

Literature cited by the submitters: PubMed 17576681 (cited by Labcorp Genetics (formerly Invitae), Labcorp); PubMed 9536098 (cited by Labcorp Genetics (formerly Invitae), Labcorp).

NM_001378778.1(MPDZ):c.5379G>A (p.Lys1793=)

Gene: MPDZ (multiple PDZ domain crumbs cell polarity complex component; minus strand). Cytogenetic location: 9p23.
Variant type: single nucleotide variant.
Coding change: c.5379G>A on transcript NM_001378778.1 (MANE Select); coding-DNA position 5379, G replaced by A.
Protein change: p.Lys1793=; no amino-acid change (lysine 1793 retained).
Molecular consequence: synonymous variant.
Genome position (GRCh38, 1-based): chr9:13,119,502, C>T on the plus strand (G>A on the coding strand, the complement: MPDZ is on the minus strand). VCF-style: chr9-13119502-C-T. GRCh37 (hg19) VCF-style: chr9-13119501-C-T.
Other names: c.5280G>A, p.Lys1760= (NM_001261406.2, NM_001261407.2, NM_001375416.1 and 3 more transcripts); c.5379G>A, p.Lys1793= (NM_001330637.2, NM_003829.5); c.5478G>A, p.Lys1826= (NM_001375413.1); c.5169G>A, p.Lys1723= (NM_001375420.1, NM_001375421.1, NM_001375422.1 and 4 more transcripts); c.4971G>A, p.Lys1657= (NM_001375427.1).
Identifiers: ClinVar variation 1029762 (VCV001029762.7), dbSNP rs866183007, ClinGen allele CA189277330.